The following is an entry in ClinVar:

NM_000466.3(PEX1):c.666T>C (p.Thr222=)

Gene: PEX1 (peroxisomal biogenesis factor 1; minus strand). Cytogenetic location: 7q21.2.
Variant type: single nucleotide variant.
Coding change: c.666T>C on transcript NM_000466.3 (MANE Select); coding-DNA position 666, T replaced by C.
Protein change: p.Thr222=; no amino-acid change (threonine 222 retained).
Molecular consequence: synonymous variant.
Genome position (GRCh38, 1-based): chr7:92,517,849, A>G on the plus strand (T>C on the coding strand, the complement: PEX1 is on the minus strand). VCF-style: chr7-92517849-A-G. GRCh37 (hg19) VCF-style: chr7-92147163-A-G.
Other names: c.666T>C, p.Thr222= (NM_001282677.2); c.42T>C, p.Thr14= (NM_001282678.2).
Identifiers: ClinVar variation 724474 (VCV000724474.13), dbSNP rs145609203, ClinGen allele CA4341561.

ClinVar aggregate classification (germline): Likely benign. Review status: criteria provided, multiple submitters, no conflicts (2 of 4 stars). 3 submissions from 3 submitters: Likely benign (2). 1 of the submissions does not count toward it. Last evaluated 2024-09-06.

Conditions:
PEX1-related disorder. Also called: PEX1-related condition.
Zellweger spectrum disorders (ZS). Also called: Zellweger Spectrum Disorder (ZSD); Zellweger Spectrum Disorder; Zellweger Spectrum; Zellweger syndrome. Identifiers: Orphanet 912, MedGen C0043459, MONDO:0019609.

Allele frequency attached by ClinVar (database versions not stated): ExAC 0.00006; gnomAD exomes 0.00006 and 0.00017; gnomAD 0.00010; TOPMed 0.00011; ESP Exome Variant Server 0.00015.
gnomAD v4.1: 252 of 1,542,012 alleles (0.016%); highest among the groups gnomAD compares: Non-Finnish European, 0.021%; no homozygotes.

Submissions (3):

Labcorp Genetics (formerly Invitae), Labcorp
Classification: Likely benign for Zellweger spectrum disorders. Last evaluated: 2024-09-06. Review status: criteria provided, single submitter. Criteria: Invitae Variant Classification Sherloc (09022015). Collection method: clinical testing. Allele origin: germline.

Blueprint Genetics
Classification: Likely benign. Last evaluated: 2023-12-29. Review status: criteria provided, single submitter. Criteria: ACMG Guidelines, 2015. Collection method: clinical testing. Allele origin: germline.

PreventionGenetics, part of Exact Sciences
Classification: Likely benign for PEX1-related condition. Last evaluated: 2019-11-14. Review status: no assertion criteria provided. Collection method: clinical testing. Allele origin: germline. Not counted in ClinVar's aggregate classification.
Comment: This variant is classified as likely benign based on ACMG/AMP sequence variant interpretation guidelines (Richards et al. 2015 PMID: 25741868, with internal and published modifications).